The following is an entry in ClinVar:

ClinVar aggregate classification (germline): Uncertain significance (1 of 4 stars; one submission).

Conditions:
Aortic valve disease 2 (AOVD2). Identifiers: MedGen C3542024, MONDO:0013902, OMIM 614823.

gnomAD v4.1: 4 of 1,602,998 alleles (0.00025%); highest among the groups gnomAD compares: Non-Finnish European, 0.00025%; no homozygotes.

Submission:

Labcorp Genetics (formerly Invitae), Labcorp
Classification: Uncertain significance for Aortic valve disease 2. Last evaluated: 2023-03-27. Review status: criteria provided, single submitter. Criteria: Invitae Variant Classification Sherloc (09022015). Collection method: clinical testing. Allele origin: germline.
Comment: This variant has not been reported in the literature in individuals affected with SMAD6-related conditions. In summary, the available evidence is currently insufficient to determine the role of this variant in disease. Therefore, it has been classified as a Variant of Uncertain Significance. Advanced modeling of protein sequence and biophysical properties (such as structural, functional, and spatial information, amino acid conservation, physicochemical variation, residue mobility, and thermodynamic stability) performed at Invitae indicates that this missense variant is expected to disrupt SMAD6 protein function. This variant is not present in population databases (gnomAD no frequency). This sequence change replaces glutamic acid, which is acidic and polar, with aspartic acid, which is acidic and polar, at codon 338 of the SMAD6 protein (p.Glu338Asp).

NM_005585.5(SMAD6):c.1014G>T (p.Glu338Asp)

Gene: SMAD6 (SMAD family member 6; plus strand). Cytogenetic location: 15q22.31.
Variant type: single nucleotide variant.
Coding change: c.1014G>T on transcript NM_005585.5 (MANE Select); coding-DNA position 1014, G replaced by T.
Protein change: p.Glu338Asp; replaces glutamic acid 338 with aspartic acid.
Molecular consequence: missense variant. On other transcripts: non-coding transcript variant (1).
Genome position (GRCh38, 1-based): chr15:66,781,058, G>T. VCF-style: chr15-66781058-G-T. GRCh37 (hg19) VCF-style: chr15-67073396-G-T.
Other names: short protein forms E338D.
Identifiers: ClinVar variation 2797062 (VCV002797062.3), dbSNP rs2140681200, ClinGen allele CA393201681.